The following is an entry in ClinVar:

NM_000535.7(PMS2):c.162T>G (p.Ile54Met)

Gene: PMS2 (PMS1 homolog 2, mismatch repair system component; minus strand). Cytogenetic location: 7p22.1.
Variant type: single nucleotide variant.
Coding change: c.162T>G on transcript NM_000535.7 (MANE Select); coding-DNA position 162, T replaced by G.
Protein change: p.Ile54Met; replaces isoleucine 54 with methionine.
Molecular consequence: missense variant. On other transcripts: 5 prime UTR variant (38), non-coding transcript variant (1), intron variant (7).
Genome position (GRCh38, 1-based): chr7:6,005,893, A>C on the plus strand (T>G on the coding strand, the complement: PMS2 is on the minus strand). VCF-style: chr7-6005893-A-C. GRCh37 (hg19) VCF-style: chr7-6045524-A-C.
Other names: c.-244T>G (NM_001322003.2, NM_001322005.2, NM_001322009.2 and 10 more transcripts); c.162T>G, p.Ile54Met (NM_001322006.2, NM_001322014.2, NM_001406868.1 and 10 more transcripts); c.-54T>G (NM_001322007.2, NM_001406876.1, NM_001406883.1 and 4 more transcripts); c.-723T>G (NM_001322011.2, NM_001322012.2); c.-323T>G (NM_001322015.2, NM_001406875.1, NM_001406877.1 and 2 more transcripts); c.348T>G, p.Ile116Met (NM_001406866.1); c.-270T>G (NM_001406880.1); c.-191T>G (NM_001406888.1, NM_001406889.1, NM_001406892.1 and 5 more transcripts); and 7 more; short protein forms I54M, I116M.
Identifiers: ClinVar variation 3421489 (VCV003421489.1).

ClinVar aggregate classification (germline): Uncertain significance (1 of 4 stars; one submission).

Conditions:
Hereditary cancer-predisposing syndrome. Also called: Neoplastic Syndromes, Hereditary; Tumor predisposition; Hereditary Cancer Syndrome; Hereditary neoplastic syndrome. Identifiers: Orphanet 140162, MedGen C0027672, MeSH D009386, MONDO:0015356.

Submission:

Ambry Genetics
Classification: Uncertain significance for Hereditary cancer-predisposing syndrome. Last evaluated: 2024-08-15. Review status: criteria provided, single submitter. Criteria: Ambry Variant Classification Scheme 2023. Collection method: clinical testing. Allele origin: germline.
Comment: The p.I54M variant (also known as c.162T>G), located in coding exon 2 of the PMS2 gene, results from a T to G substitution at nucleotide position 162. The isoleucine at codon 54 is replaced by methionine, an amino acid with highly similar properties. This amino acid position is conserved. In addition, this alteration is predicted to be deleterious by in silico analysis. Based on the available evidence, the clinical significance of this variant remains unclear.